The following is an entry in ClinVar:

ClinVar aggregate classification (germline): Uncertain significance (1 of 4 stars; one submission).

Conditions:
Nemaline myopathy 2 (NEM2). Also called: Nemaline myopathy 2, autosomal recessive. Identifiers: MedGen C1850569, MONDO:0009725, OMIM 256030.

Submission:

Institute of Human Genetics, University of Leipzig Medical Center
Classification: Uncertain significance for Nemaline myopathy 2. Last evaluated: 2026-07-28. Review status: criteria provided, single submitter. Criteria: ACMG Guidelines, 2015. Collection method: clinical testing. Allele origin: maternal. Inheritance: Autosomal recessive inheritance. Affected: yes.
Comment: Criteria applied: PM2_SUP,PM3,PP3

NM_001164508.2(NEB):c.23836-138A>G

Genes: RIF1 (replication timing regulatory factor 1; plus strand), NEB (nebulin; minus strand). Cytogenetic location: 2q23.3.
Variant type: single nucleotide variant.
Coding change: c.23836-138A>G on transcript NM_001164508.2 (MANE Select); 138 bases into the intron before coding-DNA position 23836, A replaced by G.
Molecular consequence: intron variant.
Genome position (GRCh38, 1-based): chr2:151,503,023, T>C on the plus strand (A>G on the coding strand, the complement: NEB is on the minus strand). VCF-style: chr2-151503023-T-C. GRCh37 (hg19) VCF-style: chr2-152359537-T-C.
Other names: c.18733-138A>G (NM_004543.5); c.23836-138A>G (NM_001164507.2); c.23941-138A>G (NM_001271208.2).
Identifiers: ClinVar variation 4890697 (VCV004890697.1).